The following is an entry in ClinVar:

ClinVar aggregate classification (germline): Uncertain significance. Review status: criteria provided, multiple submitters, no conflicts (2 of 4 stars). 3 submissions from 3 submitters: Uncertain significance (3). Last evaluated 2025-07-02.

Conditions:
Inborn genetic diseases. Identifiers: MedGen C0950123, MeSH D030342.

Submissions (3):

Labcorp Genetics (formerly Invitae), Labcorp
Classification: Uncertain significance. Last evaluated: 2025-07-02. Review status: criteria provided, single submitter. Criteria: Invitae Variant Classification Sherloc (09022015). Collection method: clinical testing. Allele origin: germline.
Comment: This sequence change replaces proline, which is neutral and non-polar, with histidine, which is basic and polar, at codon 2921 of the SPEG protein (p.Pro2921His). This variant is present in population databases (no rsID available, gnomAD 0.004%). This variant has not been reported in the literature in individuals affected with SPEG-related conditions. ClinVar contains an entry for this variant (Variation ID: 1923983). An algorithm developed to predict the effect of missense changes on protein structure and function (PolyPhen-2) suggests that this variant is likely to be disruptive. In summary, the available evidence is currently insufficient to determine the role of this variant in disease. Therefore, it has been classified as a Variant of Uncertain Significance.

Ambry Genetics
Classification: Uncertain significance for Inborn genetic diseases. Last evaluated: 2023-10-30. Review status: criteria provided, single submitter. Criteria: Ambry Variant Classification Scheme 2023. Collection method: clinical testing. Allele origin: germline.

GeneDx
Classification: Uncertain significance. Last evaluated: 2022-09-01. Review status: criteria provided, single submitter. Criteria: GeneDx Variant Classification Process June 2021. Collection method: clinical testing. Allele origin: germline. Affected: yes.
Comment: In silico analysis supports that this missense variant does not alter protein structure/function; Has not been previously published as pathogenic or benign to our knowledge

NM_005876.5(SPEG):c.8762C>A (p.Pro2921His)

Genes: ASIC4-AS1 (ASIC4 antisense RNA 1; minus strand), SPEG (striated muscle enriched protein kinase; plus strand). Cytogenetic location: 2q35.
Variant type: single nucleotide variant.
Coding change: c.8762C>A on transcript NM_005876.5 (MANE Select); coding-DNA position 8762, C replaced by A.
Protein change: p.Pro2921His; replaces proline 2921 with histidine.
Molecular consequence: missense variant.
Genome position (GRCh38, 1-based): chr2:219,489,780, C>A. VCF-style: chr2-219489780-C-A. GRCh37 (hg19) VCF-style: chr2-220354502-C-A.
Other names: c.8762C>A (NM_005876.4); short protein forms P2921H.
Identifiers: ClinVar variation 1923983 (VCV001923983.7), dbSNP rs767503621, ClinGen allele CA65999222.